The following is an entry in ClinVar:

ClinVar aggregate classification (germline): Conflicting classifications of pathogenicity. Review status: criteria provided, conflicting classifications (1 of 4 stars). 3 submissions from 3 submitters: Uncertain significance (2); Likely benign (1). Last evaluated 2025-01-20.

Allele frequency attached by ClinVar (database versions not stated): gnomAD exomes 0.00006; TOPMed 0.00009; ExAC 0.00011; gnomAD 0.00011; ESP Exome Variant Server 0.00023; 1000 Genomes Project 0.00040; 1000 Genomes Project 30x 0.00047.
gnomAD v4.1: 115 of 1,613,414 alleles (0.0071%); highest among the groups gnomAD compares: Admixed American, 0.055%; no homozygotes.

Submissions (3):

Labcorp Genetics (formerly Invitae), Labcorp
Classification: Uncertain significance. Last evaluated: 2025-01-20. Review status: criteria provided, single submitter. Criteria: Invitae Variant Classification Sherloc (09022015). Collection method: clinical testing. Allele origin: germline.
Comment: This sequence change replaces arginine, which is basic and polar, with histidine, which is basic and polar, at codon 388 of the SCNN1B protein (p.Arg388His). This variant is present in population databases (rs201575688, gnomAD 0.03%). This variant has not been reported in the literature in individuals affected with SCNN1B-related conditions. ClinVar contains an entry for this variant (Variation ID: 2684390). Invitae Evidence Modeling of protein sequence and biophysical properties (such as structural, functional, and spatial information, amino acid conservation, physicochemical variation, residue mobility, and thermodynamic stability) indicates that this missense variant is not expected to disrupt SCNN1B protein function with a negative predictive value of 80%. In summary, the available evidence is currently insufficient to determine the role of this variant in disease. Therefore, it has been classified as a Variant of Uncertain Significance.

Blueprint Genetics
Classification: Likely benign. Last evaluated: 2023-05-30. Review status: criteria provided, single submitter. Criteria: ACMG Guidelines, 2015. Collection method: clinical testing. Allele origin: germline.

Athena Diagnostics
Classification: Uncertain significance. Last evaluated: 2022-10-04. Review status: criteria provided, single submitter. Criteria: Athena Diagnostics Criteria. Collection method: clinical testing. Allele origin: unknown.
Comment: Available data are insufficient to determine the clinical significance of the variant at this time. The frequency of this variant in the general population is uninformative in assessment of its pathogenicity. This variant occurs in the same amino acid as at least one other benign or likely benign variant, suggesting this variant may also be benign. Computational tools predict that this variant is not damaging.

NM_000336.3(SCNN1B):c.1163G>A (p.Arg388His)

Gene: SCNN1B (sodium channel epithelial 1 subunit beta; plus strand). Cytogenetic location: 16p12.2.
Variant type: single nucleotide variant.
Coding change: c.1163G>A on transcript NM_000336.3 (MANE Select); coding-DNA position 1163, G replaced by A.
Protein change: p.Arg388His; replaces arginine 388 with histidine.
Molecular consequence: missense variant.
Genome position (GRCh38, 1-based): chr16:23,375,748, G>A. VCF-style: chr16-23375748-G-A. GRCh37 (hg19) VCF-style: chr16-23387069-G-A.
Other names: c.1055G>A, p.Arg352His (NM_001410900.1); short protein forms R352H, R388H.
Identifiers: ClinVar variation 2684390 (VCV002684390.5), dbSNP rs201575688, ClinGen allele CA7960386.